The following is an entry in ClinVar:

ClinVar aggregate classification (germline): Uncertain significance (1 of 4 stars; one submission).

Conditions:
Mitochondrial DNA depletion syndrome 13. Also called: FBXL4-Related Encephalomyopathic Mitochondrial DNA Depletion Syndrome; Mitochondrial DNA depletion syndrome 13 (encephalomyopathic type). Identifiers: Orphanet 369897, MedGen C3809592, MONDO:0014198, OMIM 615471.

Allele frequency attached by ClinVar (database versions not stated): gnomAD exomes 0.00001; ExAC 0.00002; TOPMed below 0.00001; gnomAD 0.00001.
gnomAD v4.1: 11 of 1,613,562 alleles (0.00068%); highest among the groups gnomAD compares: African/African-American, 0.0013%; no homozygotes.

Submission:

Wong Mito Lab, Molecular and Human Genetics, Baylor College of Medicine
Classification: Uncertain significance for Mitochondrial DNA depletion syndrome 13. Last evaluated: 2017-08-10. Review status: criteria provided, single submitter. Criteria: ACMG Guidelines, 2015. Collection method: reference population. Allele origin: germline.
Comment: The NM_012160.4:c.18C>T (NP_036292.2:p.Pro6=) [GRCH38: NC_000006.12:g.98926971G>A] variant in FBXL4 gene is interpretated to be a Uncertain Significance - Conflicting Evidence based on ACMG guidelines (PMID: 25741868). This variant meets one or more of the following evidence codes reported in the ACMG-guideline. PM2:This variant is absent in key population databases. BP4:Computational evidence/predictors indicate no impact on the FBXL4 structure, function, or protein-protein interaction. BP7:The variant is silent with non predicted splice impact. Based on this evidence code ClinGen Pathogenicity Calculator (PMID:28081714) suggested that the variant is Uncertain Significance - Conflicting Evidence.

NM_001278716.2(FBXL4):c.18C>T (p.Pro6=)

Gene: FBXL4 (F-box and leucine rich repeat protein 4; minus strand). Cytogenetic location: 6q16.2.
Variant type: single nucleotide variant.
Coding change: c.18C>T on transcript NM_001278716.2 (MANE Select); coding-DNA position 18, C replaced by T.
Protein change: p.Pro6=; no amino-acid change (proline 6 retained).
Molecular consequence: synonymous variant. On other transcripts: non-coding transcript variant (2).
Genome position (GRCh38, 1-based): chr6:98,926,971, G>A on the plus strand (C>T on the coding strand, the complement: FBXL4 is on the minus strand). VCF-style: chr6-98926971-G-A. GRCh37 (hg19) VCF-style: chr6-99374847-G-A.
Other names: c.18C>T, p.Pro6= (NM_012160.5).
Identifiers: ClinVar variation 437513 (VCV000437513.1), dbSNP rs775374425, ClinGen allele CA3933764.